The following is an entry in ClinVar:

ClinVar aggregate classification (germline): Benign. Review status: criteria provided, multiple submitters, no conflicts (2 of 4 stars). 3 submissions from 3 submitters: Benign (2). 1 of the submissions does not count toward it. Last evaluated 2026-02-02.

Conditions:
FBN3-related disorder. Also called: FBN3-related condition.

Allele frequency attached by ClinVar (database versions not stated): ExAC 0.01847; ESP Exome Variant Server 0.03310; 1000 Genomes Project 0.04073; 1000 Genomes Project 30x 0.04154.
gnomAD v4.1: 10,536 of 1,585,864 alleles (0.66%); highest among the groups gnomAD compares: African/African-American, 12%; 541 homozygotes.

Submissions (10):

Labcorp Genetics (formerly Invitae), Labcorp
Classification: Benign. Last evaluated: 2026-02-02. Review status: criteria provided, single submitter. Criteria: Invitae Variant Classification Sherloc (09022015). Collection method: clinical testing. Allele origin: germline.

Breakthrough Genomics
Classification: Benign. Review status: criteria provided, single submitter. Criteria: ACMG Guidelines, 2015. Collection method: not provided. Allele origin: germline. Inheritance: Unknown mechanism. Affected: yes.

PreventionGenetics, part of Exact Sciences
Classification: Benign for FBN3-related condition. Last evaluated: 2019-09-30. Review status: no assertion criteria provided. Collection method: clinical testing. Allele origin: germline. Not counted in ClinVar's aggregate classification.
Comment: This variant is classified as benign based on ACMG/AMP sequence variant interpretation guidelines (Richards et al. 2015 PMID: 25741868, with internal and published modifications).

Dr. Peter K. Rogan Lab, Western University
No classification provided (evidence only). Condition: Lung cancer. Review status: no classification provided. Collection method: in vitro. Allele origin: not applicable. Functional consequence: retained intron. Not counted in ClinVar's aggregate classification.

Dr. Peter K. Rogan Lab, Western University
No classification provided (evidence only). Condition: Thyroid cancer, nonmedullary, 1. Review status: no classification provided. Collection method: in vitro. Allele origin: not applicable. Functional consequence: retained intron. Not counted in ClinVar's aggregate classification.

Dr. Peter K. Rogan Lab, Western University
No classification provided (evidence only). Condition: Uterine corpus endometrial carcinoma. Review status: no classification provided. Collection method: in vitro. Allele origin: not applicable. Functional consequence: retained intron. Not counted in ClinVar's aggregate classification.

Dr. Peter K. Rogan Lab, Western University
No classification provided (evidence only). Condition: Uterine corpus endometrial carcinoma. Review status: no classification provided. Collection method: in vitro. Allele origin: not applicable. Functional consequence: retained intron. Not counted in ClinVar's aggregate classification.

Dr. Peter K. Rogan Lab, Western University
No classification provided (evidence only). Condition: Uterine corpus endometrial carcinoma. Review status: no classification provided. Collection method: in vitro. Allele origin: not applicable. Functional consequence: retained intron. Not counted in ClinVar's aggregate classification.

Dr. Peter K. Rogan Lab, Western University
No classification provided (evidence only). Condition: Ovarian serous cystadenocarcinoma. Review status: no classification provided. Collection method: in vitro. Allele origin: not applicable. Functional consequence: retained intron. Not counted in ClinVar's aggregate classification.

Dr. Peter K. Rogan Lab, Western University
No classification provided (evidence only). Condition: Uterine carcinosarcoma. Review status: no classification provided. Collection method: in vitro. Allele origin: not applicable. Functional consequence: retained intron. Not counted in ClinVar's aggregate classification.

NM_032447.5(FBN3):c.6981G>A (p.Gly2327=)

Gene: FBN3 (fibrillin 3; minus strand). Cytogenetic location: 19p13.2.
Variant type: single nucleotide variant.
Coding change: c.6981G>A on transcript NM_032447.5 (MANE Select); coding-DNA position 6981, G replaced by A.
Protein change: p.Gly2327=; no amino-acid change (glycine 2327 retained).
Molecular consequence: synonymous variant.
Genome position (GRCh38, 1-based): chr19:8,085,469, C>T on the plus strand (G>A on the coding strand, the complement: FBN3 is on the minus strand). VCF-style: chr19-8085469-C-T. GRCh37 (hg19) VCF-style: chr19-8150353-C-T.
Other names: c.6981G>A, p.Gly2327= (NM_001321431.2); c.6981G>A (NM_001321431.1).
Identifiers: ClinVar variation 1601755 (VCV001601755.12), dbSNP rs61729617, ClinGen allele CA9151034.